The following is an entry in ClinVar:

NM_005591.4(MRE11):c.1563+3A>G

Gene: MRE11 (MRE11 double strand break repair nuclease; minus strand). Cytogenetic location: 11q21.
Variant type: single nucleotide variant.
Coding change: c.1563+3A>G on transcript NM_005591.4 (MANE Select); 3 bases into the intron after coding-DNA position 1563, A replaced by G.
Molecular consequence: intron variant.
Genome position (GRCh38, 1-based): chr11:94,456,273, T>C on the plus strand (A>G on the coding strand, the complement: MRE11 is on the minus strand). VCF-style: chr11-94456273-T-C. GRCh37 (hg19) VCF-style: chr11-94189439-T-C.
Other names: c.1563+3A>G (NM_001330347.2, NM_005590.4).
Identifiers: ClinVar variation 187448 (VCV000187448.5), dbSNP rs786203742, ClinGen allele CA197669.

ClinVar aggregate classification (germline): Uncertain significance (1 of 4 stars; one submission).

Conditions:
Hereditary cancer-predisposing syndrome. Also called: Neoplastic Syndromes, Hereditary; Tumor predisposition; Hereditary Cancer Syndrome; Hereditary neoplastic syndrome. Identifiers: Orphanet 140162, MedGen C0027672, MeSH D009386, MONDO:0015356.

Submission:

Ambry Genetics
Classification: Uncertain significance for Hereditary cancer-predisposing syndrome. Last evaluated: 2020-03-23. Review status: criteria provided, single submitter. Criteria: Ambry Variant Classification Scheme 2023. Collection method: clinical testing. Allele origin: germline.
Comment: The c.1563+3A>G intronic variant results from an A to G substitution 3 nucleotides after coding exon 13 in the MRE11A gene. This nucleotide position is well conserved in available vertebrate species. Using the BDGP and ESEfinder splice site prediction tools, this alteration is predicted to weaken the efficiency of the native donor splice site; however, direct evidence is unavailable. Since supporting evidence is limited at this time, the clinical significance of this alteration remains unclear.